The following is an entry in ClinVar:

NM_001258392.3(CLPB):c.715G>A (p.Ala239Thr)

Gene: CLPB (ClpB family mitochondrial disaggregase; minus strand). Cytogenetic location: 11q13.4.
Variant type: single nucleotide variant.
Coding change: c.715G>A on transcript NM_001258392.3 (MANE Select); coding-DNA position 715, G replaced by A.
Protein change: p.Ala239Thr; replaces alanine 239 with threonine.
Molecular consequence: missense variant.
Genome position (GRCh38, 1-based): chr11:72,358,940, C>T on the plus strand (G>A on the coding strand, the complement: CLPB is on the minus strand). VCF-style: chr11-72358940-C-T. GRCh37 (hg19) VCF-style: chr11-72069984-C-T.
Other names: c.628G>A, p.Ala210Thr (NM_001258393.3); c.670G>A, p.Ala224Thr (NM_001258394.3); c.805G>A, p.Ala269Thr (NM_030813.6); short protein forms A269T, A239T, A224T, A210T.
Identifiers: ClinVar variation 279605 (VCV000279605.5), dbSNP rs886041117, ClinGen allele CA10602726.
Genomic context (GRCh38, chr11:72,358,940, plus strand): 5'-CTCCATCAAGCAGCTCCTTGACAGTGCGGTAGTCATCAGCAAGAACAGCATAGTGCAAGG[C>T]CGTGCAGCCCTTGAAACTGGCGCGGTTGTTCAGCCTGTTGTTGAAGTCATCCTCTCGGGT-3'
Protein context (NP_001245321.1, residues 229-249): NNRASFKGCT[Ala239Thr]LHYAVLADDY

ClinVar aggregate classification (germline): Uncertain significance. Review status: criteria provided, single submitter (1 of 4 stars). 2 submissions from 2 submitters: Uncertain significance (1). 1 of the submissions does not count toward it. Last evaluated 2022-11-08.

Conditions:
3-methylglutaconic aciduria, type VIIB (MGCA7B). Also called: CLPB Deficiency; 3-methylglutaconic aciduria with cataracts, neurologic involvement and neutropenia; 3-methylglutaconic aciduria, type VII, with cataracts, neurologic involvement and neutropenia. Identifiers: Orphanet 445038, MedGen C5676893, MONDO:0014561, OMIM 616271.

Submissions (2):

Labcorp Genetics (formerly Invitae), Labcorp
Classification: Uncertain significance for 3-methylglutaconic aciduria, type VIIB. Last evaluated: 2022-11-08. Review status: criteria provided, single submitter. Criteria: Invitae Variant Classification Sherloc (09022015). Collection method: clinical testing. Allele origin: germline.
Comment: This sequence change replaces alanine, which is neutral and non-polar, with threonine, which is neutral and polar, at codon 269 of the CLPB protein (p.Ala269Thr). This variant is not present in population databases (gnomAD no frequency). This missense change has been observed in individual(s) with CLPB-related conditions (PMID: 26916670). ClinVar contains an entry for this variant (Variation ID: 279605). Algorithms developed to predict the effect of missense changes on protein structure and function are either unavailable or do not agree on the potential impact of this missense change (SIFT: "Tolerated"; PolyPhen-2: "Probably Damaging"; Align-GVGD: "Class C0"). In summary, the available evidence is currently insufficient to determine the role of this variant in disease. Therefore, it has been classified as a Variant of Uncertain Significance.

GeneReviews
No classification provided. Condition: 3-methylglutaconic aciduria, type VIIB. Review status: no classification provided. Collection method: literature only. Allele origin: germline. Affected: yes. Not counted in ClinVar's aggregate classification.

Literature cited by the submitters: PubMed 26916670 (cited by Labcorp Genetics (formerly Invitae), Labcorp and GeneReviews); NCBI Bookshelf NBK396257 (cited by GeneReviews).